The following is an entry in ClinVar:

NM_000535.7(PMS2):c.869T>A (p.Phe290Tyr)

Gene: PMS2 (PMS1 homolog 2, mismatch repair system component; minus strand). Cytogenetic location: 7p22.1.
Variant type: single nucleotide variant.
Coding change: c.869T>A on transcript NM_000535.7 (MANE Select); coding-DNA position 869, T replaced by A.
Protein change: p.Phe290Tyr; replaces phenylalanine 290 with tyrosine.
Molecular consequence: missense variant. On other transcripts: 5 prime UTR variant (2), non-coding transcript variant (1).
Genome position (GRCh38, 1-based): chr7:5,995,568, A>T on the plus strand (T>A on the coding strand, the complement: PMS2 is on the minus strand). VCF-style: chr7-5995568-A-T. GRCh37 (hg19) VCF-style: chr7-6035199-A-T.
Other names: c.464T>A, p.Phe155Tyr (NM_001322003.2, NM_001322004.2, NM_001322005.2 and 2 more transcripts); c.869T>A, p.Phe290Tyr (NM_001322006.2, NM_001322014.2); c.551T>A, p.Phe184Tyr (NM_001322007.2, NM_001322008.2); c.-65T>A (NM_001322011.2, NM_001322012.2); c.296T>A, p.Phe99Tyr (NM_001322013.2); c.560T>A, p.Phe187Tyr (NM_001322015.2); short protein forms F184Y, F187Y, F99Y, F155Y, F290Y.
Identifiers: ClinVar variation 922488 (VCV000922488.17), dbSNP rs1031512870, ClinGen allele CA153237785.

ClinVar aggregate classification (germline): Uncertain significance. Review status: criteria provided, multiple submitters, no conflicts (2 of 4 stars). 3 submissions from 3 submitters: Uncertain significance (3). Last evaluated 2024-10-28.

Conditions:
Hereditary nonpolyposis colorectal neoplasms. Identifiers: MedGen C0009405, MeSH D003123.
Hereditary cancer-predisposing syndrome. Also called: Neoplastic Syndromes, Hereditary; Tumor predisposition; Hereditary Cancer Syndrome; Hereditary neoplastic syndrome. Identifiers: Orphanet 140162, MedGen C0027672, MeSH D009386, MONDO:0015356.

gnomAD v4.1: 3 of 1,614,090 alleles (0.00019%); highest among the groups gnomAD compares: Non-Finnish European, 0.00025%; no homozygotes.

Submissions (3):

Ambry Genetics
Classification: Uncertain significance for Hereditary cancer-predisposing syndrome. Last evaluated: 2024-10-28. Review status: criteria provided, single submitter. Criteria: Ambry Variant Classification Scheme 2023. Collection method: clinical testing. Allele origin: germline.
Comment: The p.F290Y variant (also known as c.869T>A), located in coding exon 8 of the PMS2 gene, results from a T to A substitution at nucleotide position 869. The phenylalanine at codon 290 is replaced by tyrosine, an amino acid with highly similar properties. This amino acid position is conserved. In addition, the in silico prediction for this alteration is inconclusive. Based on the available evidence, the clinical significance of this variant remains unclear.

Color Diagnostics, LLC DBA Color Health
Classification: Uncertain significance for Hereditary cancer-predisposing syndrome. Last evaluated: 2023-12-04. Review status: criteria provided, single submitter. Criteria: ACMG Guidelines, 2015. Collection method: clinical testing. Allele origin: germline.
Comment: This missense variant replaces phenylalanine with tyrosine at codon 290 of the PMS2 protein. Computational prediction suggests that this variant may not impact protein structure and function (internally defined REVEL score threshold <= 0.5, PMID: 27666373). To our knowledge, functional studies have not been reported for this variant. This variant has not been reported in individuals affected with PMS2-related disorders in the literature. This variant has not been identified in the general population by the Genome Aggregation Database (gnomAD). The available evidence is insufficient to determine the role of this variant in disease conclusively. Therefore, this variant is classified as a Variant of Uncertain Significance.

Labcorp Genetics (formerly Invitae), Labcorp
Classification: Uncertain significance for Hereditary nonpolyposis colorectal neoplasms. Last evaluated: 2023-05-02. Review status: criteria provided, single submitter. Criteria: Invitae Variant Classification Sherloc (09022015). Collection method: clinical testing. Allele origin: germline.
Comment: In summary, the available evidence is currently insufficient to determine the role of this variant in disease. Therefore, it has been classified as a Variant of Uncertain Significance. Advanced modeling of protein sequence and biophysical properties (such as structural, functional, and spatial information, amino acid conservation, physicochemical variation, residue mobility, and thermodynamic stability) performed at Invitae indicates that this missense variant is not expected to disrupt PMS2 protein function. ClinVar contains an entry for this variant (Variation ID: 922488). This variant has not been reported in the literature in individuals affected with PMS2-related conditions. This variant is not present in population databases (gnomAD no frequency). This sequence change replaces phenylalanine, which is neutral and non-polar, with tyrosine, which is neutral and polar, at codon 290 of the PMS2 protein (p.Phe290Tyr).